The following is an entry in ClinVar:

ClinVar aggregate classification (germline): Uncertain significance. Review status: criteria provided, multiple submitters, no conflicts (2 of 4 stars). 2 submissions from 2 submitters: Uncertain significance (2). Last evaluated 2022-08-23.

Conditions:
Hypertrophic cardiomyopathy. Also called: HYPERTROPHIC MYOCARDIOPATHY. Identifiers: Orphanet 217569, MedGen C0007194, MeSH D002312, MONDO:0005045, HP:0001639.

Allele frequency attached by ClinVar (database versions not stated): gnomAD exomes below 0.00001 and 0.00001; TOPMed below 0.00001.
gnomAD v4.1: 4 of 1,611,028 alleles (0.00025%); highest among the groups gnomAD compares: East Asian, 0.0089%; no homozygotes.

Submissions (2):

Labcorp Genetics (formerly Invitae), Labcorp
Classification: Uncertain significance for Hypertrophic cardiomyopathy. Last evaluated: 2022-08-23. Review status: criteria provided, single submitter. Criteria: Invitae Variant Classification Sherloc (09022015). Collection method: clinical testing. Allele origin: germline.
Comment: This sequence change replaces cysteine, which is neutral and slightly polar, with arginine, which is basic and polar, at codon 719 of the MYBPC3 protein (p.Cys719Arg). This variant is present in population databases (no rsID available, gnomAD 0.02%). This missense change has been observed in individual(s) with sudden death with suspected hypertrophic cardiomyopathy (PMID: 29219260). ClinVar contains an entry for this variant (Variation ID: 546308). Algorithms developed to predict the effect of missense changes on protein structure and function are either unavailable or do not agree on the potential impact of this missense change (SIFT: "Tolerated"; PolyPhen-2: "Possibly Damaging"; Align-GVGD: "Class C0"). Studies have shown that this missense change does not affect mRNA splicing (PMID: 34097875). In summary, the available evidence is currently insufficient to determine the role of this variant in disease. Therefore, it has been classified as a Variant of Uncertain Significance.

GeneDx
Classification: Uncertain significance. Last evaluated: 2018-05-14. Review status: criteria provided, single submitter. Criteria: GeneDx Variant Classification (06012015). Collection method: clinical testing. Allele origin: germline. Affected: yes.
Comment: The C719R variant hof uncertain significance in the MYBPC3 gene as not been published as pathogenic or been reported as benign to our knowledge. This variant is observed in 3/17,096 alleles from individuals of East Asian ancestry in large population cohorts (Lek et al., 2016). The C719R variant is a non-conservative amino acid substitution, which is likely to impact secondary protein structure as these residues differ in polarity, charge, size and/or other properties. However, in-silico analyses, including protein predictors and evolutionary conservation, support that this variant does not alter protein structure/function.Therefore, based on the currently available information, it is unclear whether this variant is pathogenic or benign.

Literature cited by the submitters: PubMed 29219260 (cited by Labcorp Genetics (formerly Invitae), Labcorp); PubMed 34097875 (cited by Labcorp Genetics (formerly Invitae), Labcorp).

NM_000256.3(MYBPC3):c.2155T>C (p.Cys719Arg)

Gene: MYBPC3 (myosin binding protein C3; minus strand). Cytogenetic location: 11p11.2.
Variant type: single nucleotide variant.
Coding change: c.2155T>C on transcript NM_000256.3 (MANE Select); coding-DNA position 2155, T replaced by C.
Protein change: p.Cys719Arg; replaces cysteine 719 with arginine.
Molecular consequence: missense variant.
Genome position (GRCh38, 1-based): chr11:47,338,673, A>G on the plus strand (T>C on the coding strand, the complement: MYBPC3 is on the minus strand). VCF-style: chr11-47338673-A-G. GRCh37 (hg19) VCF-style: chr11-47360224-A-G.
Other names: c.2155T>C, p.Cys719Arg (LRG_386t1); short protein forms C719R.
Identifiers: ClinVar variation 546308 (VCV000546308.7), dbSNP rs1384644997, ClinGen allele CA380320651.
Genomic context (GRCh38, chr11:47,338,673, plus strand): 5'-CGACCGTGAAGATGCTGCGGTCCTTGGTGGTCTCCACGCGGACCCGGCCCTCGGTCTCAC[A>G]CAGCAGCTGGGGGGGTGCAGAGTTGGGGTGAGATCCAAGTCAGACCCCAGAGGCCCTTGC-3'
Protein context (NP_000247.2, residues 709-729): DEWVFDKKLL[Cys719Arg]ETEGRVRVET